The following is an entry in ClinVar:

ClinVar aggregate classification (germline): Pathogenic (1 of 4 stars; one submission).

Conditions:
Growth delay due to insulin-like growth factor I resistance. Also called: Somatomedin end-organ insensitivity to; Somatomedin-c resistance to; IGF-1 resistance; IGF-I RESISTANCE; Insulin-Like Growth Factor I Resistance. Identifiers: Orphanet 73273, MedGen C1849157, MONDO:0010038, OMIM 270450.

Submission:

Institute of Human Genetics, University of Leipzig Medical Center
Classification: Pathogenic for Growth delay due to insulin-like growth factor I resistance. Last evaluated: 2026-02-02. Review status: criteria provided, single submitter. Criteria: ACMG Guidelines, 2015. Collection method: clinical testing. Allele origin: unknown. Inheritance: Autosomal dominant inheritance. Affected: yes.
Comment: Criteria applied: PVS1,PM2

NM_000875.5(IGF1R):c.201dup (p.Glu68fs)

Gene: IGF1R (insulin like growth factor 1 receptor; plus strand). Cytogenetic location: 15q26.3.
Variant type: Duplication.
Coding change: c.201dup on transcript NM_000875.5 (MANE Select); coding-DNA position 201, one base duplicated (C; older notation c.201dupC).
Protein change: p.Glu68fs; shifts the reading frame from glutamic acid 68.
Molecular consequence: frameshift variant.
Genome position (GRCh38, 1-based): chr15:98,707,668, C duplicated; the last of 2 consecutive C bases (chr15:98,707,667-98,707,668); duplicating either gives the same sequence. VCF-style (leftmost placement, unchanged base first): chr15-98707666-G-GC. GRCh37 (hg19) VCF-style: chr15-99250895-G-GC.
Other names: c.201dup, p.Glu68fs (NM_001291858.2); short protein forms E68fs.
Identifiers: ClinVar variation 4819141 (VCV004819141.1).